The following is an entry in ClinVar:

NM_001277115.2(DNAH11):c.11373+1G>A

Gene: DNAH11 (dynein axonemal heavy chain 11; plus strand). Cytogenetic location: 7p15.3.
Variant type: single nucleotide variant.
Coding change: c.11373+1G>A on transcript NM_001277115.2 (MANE Select); the canonical splice donor site of the intron after coding-DNA position 11373, G replaced by A.
Molecular consequence: splice donor variant.
Genome position (GRCh38, 1-based): chr7:21,862,024, G>A. VCF-style: chr7-21862024-G-A. GRCh37 (hg19) VCF-style: chr7-21901642-G-A.
Identifiers: ClinVar variation 568379 (VCV000568379.7), dbSNP rs1175443221, ClinGen allele CA366961536.

ClinVar aggregate classification (germline): Pathogenic (1 of 4 stars; one submission).

Conditions:
Primary ciliary dyskinesia. Also called: Ciliary dyskinesia. Identifiers: Orphanet 244, MedGen C0008780, MONDO:0016575, HP:0012265.

Submission:

Labcorp Genetics (formerly Invitae), Labcorp
Classification: Pathogenic for Primary ciliary dyskinesia. Last evaluated: 2018-05-26. Review status: criteria provided, single submitter. Criteria: Invitae Variant Classification Sherloc (09022015). Collection method: clinical testing. Allele origin: germline.
Comment: This sequence change affects a donor splice site in intron 69 of the DNAH11 gene. It is expected to disrupt RNA splicing and likely results in an absent or disrupted protein product. This variant is not present in population databases (ExAC no frequency). ClinVar contains an entry for this variant (Variation ID: 410870). Algorithms developed to predict the effect of sequence changes on RNA splicing suggest that this variant may disrupt the consensus splice site, but this prediction has not been confirmed by published transcriptional studies. Donor and acceptor splice site variants typically lead to a loss of protein function (PMID: 16199547), and loss-of-function variants in DNAH11 are known to be pathogenic (PMID: 18022865, 20513915, 22184204). For these reasons, this variant has been classified as Pathogenic.

Literature cited by the submitters: PubMed 16199547; PubMed 18022865; PubMed 20513915; PubMed 22184204.